The following is an entry in ClinVar:

NM_013447.4(ADGRE2):c.2376G>T (p.Trp792Cys)

Gene: ADGRE2 (adhesion G protein-coupled receptor E2; minus strand). Cytogenetic location: 19p13.12.
Variant type: single nucleotide variant.
Coding change: c.2376G>T on transcript NM_013447.4 (MANE Select); coding-DNA position 2376, G replaced by T.
Protein change: p.Trp792Cys; replaces tryptophan 792 with cysteine.
Molecular consequence: missense variant.
Genome position (GRCh38, 1-based): chr19:14,743,507, C>A on the plus strand (G>T on the coding strand, the complement: ADGRE2 is on the minus strand). VCF-style: chr19-14743507-C-A. GRCh37 (hg19) VCF-style: chr19-14854319-C-A.
Other names: c.2202G>T, p.Trp734Cys (NM_001271052.1); c.2229G>T, p.Trp743Cys (NM_152916.2); c.2097G>T, p.Trp699Cys (NM_152917.2); short protein forms W743C, W699C, W792C, W734C.
Identifiers: ClinVar variation 4731880 (VCV004731880.1).
Genomic context (GRCh38, chr19:14,743,507, plus strand): 5'-AGCACTGCTGGAGAGTGTGTGCATCTCAGACTCAGTTTTCAATTTCCTGATCCCTTTGGA[C>A]CATTTCCCATATTGCTCCCGGACCTGCAGAGGCAAAGTGTGTACTGGGTCAGCTCACAGA-3'
Protein context (NP_038475.2, residues 782-802): SQQVREQYGK[Trp792Cys]SKGIRKLKTE

ClinVar aggregate classification (germline): Uncertain significance (1 of 4 stars; one submission).

Submission:

Labcorp Genetics (formerly Invitae), Labcorp
Classification: Uncertain significance. Last evaluated: 2025-12-06. Review status: criteria provided, single submitter. Criteria: Invitae Variant Classification Sherloc (09022015). Collection method: clinical testing. Allele origin: germline.
Comment: This sequence change replaces tryptophan, which is neutral and slightly polar, with cysteine, which is neutral and slightly polar, at codon 792 of the ADGRE2 protein (p.Trp792Cys). This variant is not present in population databases (gnomAD no frequency). This variant has not been reported in the literature in individuals affected with ADGRE2-related conditions. An algorithm developed to predict the effect of missense changes on protein structure and function (PolyPhen-2) suggests that this variant is likely to be disruptive. In summary, the available evidence is currently insufficient to determine the role of this variant in disease. Therefore, it has been classified as a Variant of Uncertain Significance.